The following is an entry in ClinVar:

ClinVar aggregate classification (germline): Benign/Likely benign. Review status: criteria provided, multiple submitters, no conflicts (2 of 4 stars). 4 submissions from 4 submitters: Benign (1); Likely benign (3). Last evaluated 2026-01-20.

Conditions:
Inborn genetic diseases. Identifiers: MedGen C0950123, MeSH D030342.
Autosomal dominant childhood-onset proximal spinal muscular atrophy with contractures (SMALED2A). Also called: Spinal muscular atrophy, lower extremity-predominant, 2A, autosomal dominant; SPINAL MUSCULAR ATROPHY, LOWER EXTREMITY-PREDOMINANT, 2A, CHILDHOOD ONSET, AUTOSOMAL DOMINANT. Identifiers: Orphanet 363447, Orphanet 363454, MedGen C4747715, MONDO:0014121, OMIM 615290.

Allele frequency attached by ClinVar (database versions not stated): gnomAD exomes 0.00002 and 0.00004; ExAC 0.00004; 1000 Genomes Project 0.00020; ESP Exome Variant Server 0.00023; gnomAD 0.00023 and 0.00024; TOPMed 0.00023; 1000 Genomes Project 30x 0.00031.
gnomAD v4.1: 77 of 1,613,522 alleles (0.0048%); highest among the groups gnomAD compares: African/African-American, 0.087%; no homozygotes.

Submissions (4):

Labcorp Genetics (formerly Invitae), Labcorp
Classification: Benign for Autosomal dominant childhood-onset proximal spinal muscular atrophy with contractures. Last evaluated: 2026-01-20. Review status: criteria provided, single submitter. Criteria: Invitae Variant Classification Sherloc (09022015). Collection method: clinical testing. Allele origin: germline.

CeGaT Center for Human Genetics Tuebingen
Classification: Likely benign. Last evaluated: 2022-03-01. Review status: criteria provided, single submitter. Criteria: CeGaT Center For Human Genetics Tuebingen Variant Classification Criteria Version 2. Collection method: clinical testing. Allele origin: germline. Affected: yes. Observed: 1 variant allele.
Comment: BICD2: BP4, BP7

Ambry Genetics
Classification: Likely benign for Inborn genetic diseases. Last evaluated: 2019-07-11. Review status: criteria provided, single submitter. Criteria: Ambry Variant Classification Scheme 2023. Collection method: clinical testing. Allele origin: germline.

GeneDx
Classification: Likely benign. Last evaluated: 2016-10-17. Review status: criteria provided, single submitter. Criteria: GeneDx Variant Classification (06012015). Collection method: clinical testing. Allele origin: germline. Affected: yes.
Comment: This variant is considered likely benign or benign based on one or more of the following criteria: it is a conservative change, it occurs at a poorly conserved position in the protein, it is predicted to be benign by multiple in silico algorithms, and/or has population frequency not consistent with disease.

NM_001003800.2(BICD2):c.1842A>G (p.Pro614=)

Gene: BICD2 (BICD cargo adaptor 2; minus strand). Cytogenetic location: 9q22.31.
Variant type: single nucleotide variant.
Coding change: c.1842A>G on transcript NM_001003800.2 (MANE Select); coding-DNA position 1842, A replaced by G.
Protein change: p.Pro614=; no amino-acid change (proline 614 retained).
Molecular consequence: synonymous variant.
Genome position (GRCh38, 1-based): chr9:92,718,803, T>C on the plus strand (A>G on the coding strand, the complement: BICD2 is on the minus strand). VCF-style: chr9-92718803-T-C. GRCh37 (hg19) VCF-style: chr9-95481085-T-C.
Other names: c.1842A>G, p.Pro614= (NM_015250.4).
Identifiers: ClinVar variation 389529 (VCV000389529.35), dbSNP rs200912578, ClinGen allele CA5126469.
Genomic context (GRCh38, chr9:92,718,803, plus strand): 5'-GATGATAGCGATCAGGTTGTAGATGTTCATGGGCTCCCGGCGTGGGTCACTCAGGGGTGA[T>C]GGCAGTGAGGAGCCAGGCGAGGGGCTGCTGTCCCCCGTCCCACCATCTGCTCGGCCCGCC-3'
Protein context (NP_001003800.1, residues 604-624): DSSPSPGSSL[Pro614=]SPLSDPRREP